The following is an entry in ClinVar:

ClinVar aggregate classification (germline): Likely benign. Review status: criteria provided, single submitter (1 of 4 stars). 2 submissions from 2 submitters: Likely benign (1). 1 of the submissions does not count toward it. Last evaluated 2022-01-16.

Conditions:
NTRK2-related disorder. Also called: NTRK2-related condition.

Allele frequency attached by ClinVar (database versions not stated): gnomAD exomes below 0.00001.
gnomAD v4.1: 6 of 1,611,384 alleles (0.00037%); highest among the groups gnomAD compares: Non-Finnish European, 0.00051%; no homozygotes.

Submissions (2):

Labcorp Genetics (formerly Invitae), Labcorp
Classification: Likely benign. Last evaluated: 2022-01-16. Review status: criteria provided, single submitter. Criteria: Invitae Variant Classification Sherloc (09022015). Collection method: clinical testing. Allele origin: germline.

PreventionGenetics, part of Exact Sciences
Classification: Likely benign for NTRK2-related condition. Last evaluated: 2022-04-25. Review status: no assertion criteria provided. Collection method: clinical testing. Allele origin: germline. Not counted in ClinVar's aggregate classification.
Comment: This variant is classified as likely benign based on ACMG/AMP sequence variant interpretation guidelines (Richards et al. 2015 PMID: 25741868, with internal and published modifications).

NM_006180.6(NTRK2):c.359+9A>G

Gene: NTRK2 (neurotrophic receptor tyrosine kinase 2; plus strand). Cytogenetic location: 9q21.33.
Variant type: single nucleotide variant.
Coding change: c.359+9A>G on transcript NM_006180.6 (MANE Select); 9 bases into the intron after coding-DNA position 359, A replaced by G.
Molecular consequence: intron variant.
Genome position (GRCh38, 1-based): chr9:84,702,428, A>G. VCF-style: chr9-84702428-A-G. GRCh37 (hg19) VCF-style: chr9-87317343-A-G.
Other names: c.359+9A>G (NM_006180.4, NM_001369532.1, NM_001369533.1 and 19 more transcripts); c.-110+9A>G (NM_001369536.1, NM_001369535.1, NM_001369550.1 and 1 more transcripts).
Identifiers: ClinVar variation 1989218 (VCV001989218.6), dbSNP rs2491522720, ClinGen allele CA2580080621.